The following is an entry in ClinVar:

ClinVar aggregate classification (germline): Likely benign. Review status: criteria provided, multiple submitters, no conflicts (2 of 4 stars). 5 submissions from 5 submitters: Likely benign (5). Last evaluated 2026-01-05.

Conditions:
LAMA2-related muscular dystrophy (LAMA2-RD). Also called: Laminin alpha 2-related dystrophy. Identifiers: MedGen C5679788, MONDO:0100228.

Allele frequency attached by ClinVar (database versions not stated): ESP Exome Variant Server 0.00015; gnomAD 0.00032; TOPMed 0.00034; 1000 Genomes Project 0.00040; 1000 Genomes Project 30x 0.00047.
gnomAD v4.1: 127 of 1,596,548 alleles (0.008%); highest among the groups gnomAD compares: African/African-American, 0.087%; no homozygotes.

Submissions (5):

Labcorp Genetics (formerly Invitae), Labcorp
Classification: Likely benign for LAMA2-related muscular dystrophy. Last evaluated: 2026-01-05. Review status: criteria provided, single submitter. Criteria: Invitae Variant Classification Sherloc (09022015). Collection method: clinical testing. Allele origin: germline.

Women's Health and Genetics/Laboratory Corporation of America, LabCorp
Classification: Likely benign. Last evaluated: 2025-12-11. Review status: criteria provided, single submitter. Criteria: LabCorp Variant Classification Summary - May 2015. Collection method: clinical testing. Allele origin: germline.

Mayo Clinic Laboratories, Mayo Clinic
Classification: Likely benign. Last evaluated: 2025-11-08. Review status: criteria provided, single submitter. Criteria: ACMG Guidelines, 2015. Collection method: clinical testing. Allele origin: germline. Observed: 1 variant allele.
Comment: BP4, BP7

CeGaT Center for Human Genetics Tuebingen
Classification: Likely benign. Last evaluated: 2025-11-01. Review status: criteria provided, single submitter. Criteria: CeGaT Center For Human Genetics Tuebingen Variant Classification Criteria Version 2. Collection method: clinical testing. Allele origin: germline. Affected: yes. Observed: 2 variant alleles.
Comment: LAMA2: BP4, BP7

Blueprint Genetics
Classification: Likely benign. Last evaluated: 2024-11-15. Review status: criteria provided, single submitter. Criteria: ACMG Guidelines, 2015. Collection method: clinical testing. Allele origin: germline.

NM_000426.4(LAMA2):c.903G>A (p.Ala301=)

Gene: LAMA2 (laminin subunit alpha 2; plus strand). Cytogenetic location: 6q22.33.
Variant type: single nucleotide variant.
Coding change: c.903G>A on transcript NM_000426.4 (MANE Select); coding-DNA position 903, G replaced by A.
Protein change: p.Ala301=; no amino-acid change (alanine 301 retained).
Molecular consequence: synonymous variant.
Genome position (GRCh38, 1-based): chr6:129,147,042, G>A. VCF-style: chr6-129147042-G-A. GRCh37 (hg19) VCF-style: chr6-129468187-G-A.
Other names: p.Ala301=; c.903G>A, p.Ala301= (NM_001079823.2).
Identifiers: ClinVar variation 706608 (VCV000706608.38), dbSNP rs148655840, ClinGen allele CA3992458.